The following is an entry in ClinVar:

NM_000152.5(GAA):c.159C>A (p.His53Gln)

Gene: GAA (alpha glucosidase; plus strand). Cytogenetic location: 17q25.3.
Variant type: single nucleotide variant.
Coding change: c.159C>A on transcript NM_000152.5 (MANE Select); coding-DNA position 159, C replaced by A.
Protein change: p.His53Gln; replaces histidine 53 with glutamine.
Molecular consequence: missense variant.
Genome position (GRCh38, 1-based): chr17:80,104,745, C>A. VCF-style: chr17-80104745-C-A. GRCh37 (hg19) VCF-style: chr17-78078544-C-A.
Other names: c.159C>A, p.His53Gln (NM_001079803.3, NM_001079804.3, NM_001406741.1 and 1 more transcripts); short protein forms H53Q.
Identifiers: ClinVar variation 1979833 (VCV001979833.1), dbSNP rs2143825464, ClinGen allele CA401360364.

ClinVar aggregate classification (germline): Uncertain significance (1 of 4 stars; one submission).

Conditions:
Glycogen storage disease, type II (IOPD). Also called: POMPE DISEASE, INFANTILE-ONSET; GLYCOGEN STORAGE DISEASE II, INFANTILE-ONSET; ACID ALPHA-GLUCOSIDASE DEFICIENCY, INFANTILE-ONSET; GAA DEFICIENCY, INFANTILE-ONSET; ACID MALTASE DEFICIENCY, INFANTILE-ONSET; Glucosidase acid-1,4-alpha deficiency. Identifiers: Orphanet 365, MedGen C0017921, MONDO:0009290, OMIM 232300.

gnomAD v4.1: 1 of 1,611,324 alleles (0.000062%); highest among the groups gnomAD compares: African/African-American, 0.0013%; no homozygotes.

Submission:

Labcorp Genetics (formerly Invitae), Labcorp
Classification: Uncertain significance for Glycogen storage disease, type II. Last evaluated: 2022-04-19. Review status: criteria provided, single submitter. Criteria: Invitae Variant Classification Sherloc (09022015). Collection method: clinical testing. Allele origin: germline.
Comment: This sequence change replaces histidine, which is basic and polar, with glutamine, which is neutral and polar, at codon 53 of the GAA protein (p.His53Gln). This variant is not present in population databases (gnomAD no frequency). This variant has not been reported in the literature in individuals affected with GAA-related conditions. Advanced modeling of protein sequence and biophysical properties (such as structural, functional, and spatial information, amino acid conservation, physicochemical variation, residue mobility, and thermodynamic stability) performed at Invitae indicates that this missense variant is not expected to disrupt GAA protein function. In summary, the available evidence is currently insufficient to determine the role of this variant in disease. Therefore, it has been classified as a Variant of Uncertain Significance.